The following is an entry in ClinVar:

NM_170707.4(LMNA):c.777T>A (p.Tyr259Ter)

Gene: LMNA (lamin A/C; plus strand). Cytogenetic location: 1q22.
Variant type: single nucleotide variant.
Coding change: c.777T>A on transcript NM_170707.4 (MANE Select); coding-DNA position 777, T replaced by A.
Protein change: p.Tyr259Ter; replaces tyrosine 259 with a stop codon.
Molecular consequence: nonsense.
Genome position (GRCh38, 1-based): chr1:156,134,942, T>A. VCF-style: chr1-156134942-T-A. GRCh37 (hg19) VCF-style: chr1-156104733-T-A.
Other names: c.441T>A, p.Tyr147Ter (NM_001257374.3); c.534T>A, p.Tyr178Ter (NM_001282624.2); c.777T>A, p.Tyr259Ter (NM_001282625.2, NM_001282626.2, NM_005572.4 and 1 more transcripts); short protein forms Y259*, Y147*, Y178*.
Identifiers: ClinVar variation 14511 (VCV000014511.9), dbSNP rs58048078, ClinGen allele CA018615.

ClinVar aggregate classification (germline): Pathogenic/Likely pathogenic. Review status: criteria provided, multiple submitters, no conflicts (2 of 4 stars). 6 submissions from 6 submitters: Pathogenic (1); Likely pathogenic (1). 4 of the submissions do not count toward it. Last evaluated 2024-02-11.

Conditions:
Charcot-Marie-Tooth disease type 2. Also called: Charcot-Marie-Tooth type 2. Identifiers: Orphanet 64746, MedGen C0270914, MONDO:0018993.
Emery-Dreifuss muscular dystrophy 2, autosomal dominant (EDMD2). Also called: HAUPTMANN-THANNHAUSER MUSCULAR DYSTROPHY; MUSCULAR DYSTROPHY WITH EARLY CONTRACTURES AND CARDIOMYOPATHY, AUTOSOMAL DOMINANT; SCAPULOILIOPERONEAL ATROPHY WITH CARDIOPATHY; Limb-girdle muscular dystrophy, type 1B; Muscular dystrophy, proximal, type 1B; Benign scapuloperoneal muscular dystrophy with cardiomyopathy. Identifiers: Orphanet 261, Orphanet 264, MedGen C0410190, MONDO:0021569, OMIM 181350.

Submissions (6):

Labcorp Genetics (formerly Invitae), Labcorp
Classification: Pathogenic for Charcot-Marie-Tooth disease type 2. Last evaluated: 2024-02-11. Review status: criteria provided, single submitter. Criteria: Invitae Variant Classification Sherloc (09022015). Collection method: clinical testing. Allele origin: germline.
Comment: This sequence change creates a premature translational stop signal (p.Tyr259*) in the LMNA gene. It is expected to result in an absent or disrupted protein product. Loss-of-function variants in LMNA are known to be pathogenic (PMID: 18585512, 18926329). This variant is not present in population databases (gnomAD no frequency). This premature translational stop signal has been observed in individual(s) with autosomal dominant limb-girdle muscular dystrophy type 1B (PMID: 15668447). It has also been observed to segregate with disease in related individuals. ClinVar contains an entry for this variant (Variation ID: 14511). For these reasons, this variant has been classified as Pathogenic.

GeneDx
Classification: Likely pathogenic. Last evaluated: 2017-05-12. Review status: criteria provided, single submitter. Criteria: GeneDx Variant Classification (06012015). Collection method: clinical testing. Allele origin: germline. Affected: yes.
Comment: The Y259X variant in the LMNA gene has been reported in association with limb gridle muscular dystrophy and cardiomyopathy (Muchir et al., 2003; van Tintelen et al., 2007; van Spaendonck-Zwarts et al., 2013). Of 10 patients from this family, 5 carried pacemakers, however, a diagnosis of DCM was not mentioned in any of the patients (van Tintelen et al., 2007). Nevertheless, Y259X has been reported in one individual with DCM with possible neuromuscular involvement (van Spaendonck-Zwarts et al., 2013).Functional studies in fibroblast cells showed a reduction in lamin A and C expression when Y259X was in the heterozygous state and a complete absence of expression in the homozygous state (Muchir et al., 2003). A truncated protein product was not observed in any of the fibroblast cells harboring the Y259X variant suggesting haploinsufficiency is the likely disease mechanism (Muchir et al., 2003). In another study, Y259X in the homozygous state was shown to cause nuclear rupture and loss of cellular compartmentalization (De Vos et al., 2011). Additionally, other nonsense variants in the LMNA gene have been reported in HGMD in association with DCM (Stenson P et al., 2014). Furthermore, the Y259X variant was not observed in approximately 6,500 individuals of European and African American ancestry in the NHLBI Exome Sequencing Project, indicating it is not a common benign variant in these populations. Based on currently available evidence, Y259X is a strong candidate for a pathogenic variant. However, the possibility it is a rare benign variant cannot be excluded.

OMIM
Classification: Pathogenic for EMERY-DREIFUSS MUSCULAR DYSTROPHY 2, AUTOSOMAL DOMINANT. Last evaluated: 2005-01-25. Review status: no assertion criteria provided. Collection method: literature only. Allele origin: germline. Not counted in ClinVar's aggregate classification.

Epithelial Biology;  Institute of Medical Biology, Singapore
No classification provided. Review status: no classification provided. Collection method: not provided. Allele origin: not provided. Not counted in ClinVar's aggregate classification.

Genome Diagnostics Laboratory, University Medical Center Utrecht
Classification: Pathogenic. Review status: no assertion criteria provided. Collection method: clinical testing. Allele origin: germline. Affected: yes. Study: VKGL Data-share Consensus. Not counted in ClinVar's aggregate classification.

Joint Genome Diagnostic Labs from Nijmegen and Maastricht, Radboudumc and MUMC+
Classification: Pathogenic. Review status: no assertion criteria provided. Collection method: clinical testing. Allele origin: germline. Affected: yes. Study: VKGL Data-share Consensus. Not counted in ClinVar's aggregate classification.

Literature cited by the submitters: PubMed 18585512 (cited by Labcorp Genetics (formerly Invitae), Labcorp); PubMed 18926329 (cited by Labcorp Genetics (formerly Invitae), Labcorp); PubMed 15668447 (cited by Labcorp Genetics (formerly Invitae), Labcorp and OMIM); PubMed 30055862 (cited by OMIM); PubMed 12748643 (cited by OMIM).